The following is an entry in ClinVar:

NM_021969.3(NR0B2):c.718A>G (p.Ile240Val)

Genes: NR0B2 (nuclear receptor subfamily 0 group B member 2; minus strand), NUDC (nuclear distribution C, dynein complex regulator; plus strand). Cytogenetic location: 1p36.11.
Variant type: single nucleotide variant.
Coding change: c.718A>G on transcript NM_021969.3 (MANE Select); coding-DNA position 718, A replaced by G.
Protein change: p.Ile240Val; replaces isoleucine 240 with valine.
Molecular consequence: missense variant.
Genome position (GRCh38, 1-based): chr1:26,911,901, T>C on the plus strand (A>G on the coding strand, the complement: NR0B2 is on the minus strand). VCF-style: chr1-26911901-T-C. GRCh37 (hg19) VCF-style: chr1-27238392-T-C.
Other names: short protein forms I240V.
Identifiers: ClinVar variation 2634685 (VCV002634685.2), dbSNP rs767676275, ClinGen allele CA709549.
Genomic context (GRCh38, chr1:26,911,901, plus strand): 5'-CAGGTCACCTGAGCAAAAGCATGTCCCCAAGAAGGCCAGCGATGTCAACATCTCCAATGA[T>C]AGGGCGAAAGAAGAGGTCCCCAAGCAGGCTGGTCGGAATGGACTTGAGGGTGGAGGCCGT-3'
Protein context (NP_068804.1, residues 230-250): SLLGDLFFRP[Ile240Val]IGDVDIAGLL

ClinVar aggregate classification (germline): Uncertain significance (1 of 4 stars; one submission).

Conditions:
NR0B2-related disorder. Also called: NR0B2-related condition.

Allele frequency attached by ClinVar (database versions not stated): ExAC 0.00001; gnomAD 0.00002; gnomAD exomes 0.00002.
gnomAD v4.1: 28 of 1,613,864 alleles (0.0017%); highest among the groups gnomAD compares: African/African-American, 0.0027%; no homozygotes.

Submission:

PreventionGenetics, part of Exact Sciences
Classification: Uncertain significance for NR0B2-related condition. Last evaluated: 2026-04-09. Review status: criteria provided, single submitter. Criteria: ACMG Guidelines, 2015. Collection method: clinical testing. Allele origin: germline.
Comment: The NR0B2 c.718A>G variant is predicted to result in the amino acid substitution p.Ile240Val. To our knowledge, this variant has not been reported in the literature. This variant is reported in 0.00088% of alleles in individuals of European (Non-Finnish) descent in gnomAD. At this time, the clinical significance of this variant is uncertain due to the absence of conclusive functional and genetic evidence.